The following is an entry in ClinVar:

NM_017831.4(RNF125):c.92C>T (p.Pro31Leu)

Genes: RNF125 (ring finger protein 125; plus strand), LOC121852963 (Sharpr-MPRA regulatory region 13938; plus strand). Cytogenetic location: 18q12.1.
Variant type: single nucleotide variant.
Coding change: c.92C>T on transcript NM_017831.4 (MANE Select); coding-DNA position 92, C replaced by T.
Protein change: p.Pro31Leu; replaces proline 31 with leucine.
Molecular consequence: missense variant.
Genome position (GRCh38, 1-based): chr18:32,018,955, C>T. VCF-style: chr18-32018955-C-T. GRCh37 (hg19) VCF-style: chr18-29598918-C-T.
Other names: short protein forms P31L.
Identifiers: ClinVar variation 377122 (VCV000377122.32), dbSNP rs751589349, ClinGen allele CA8930380.

ClinVar aggregate classification (germline): Conflicting classifications of pathogenicity. Review status: criteria provided, conflicting classifications (1 of 4 stars). 4 submissions from 4 submitters: Uncertain significance (3); Likely benign (1). Last evaluated 2025-03-01.

Conditions:
Tenorio syndrome (TNORS). Also called: OVERGROWTH, MACROCEPHALY, AND INTELLECTUAL DISABILITY SYNDROME. Identifiers: MedGen C4015710, MONDO:0014553, OMIM 616260.

Allele frequency attached by ClinVar (database versions not stated): ExAC 0.00002; gnomAD exomes 0.00004; gnomAD 0.00007; TOPMed 0.00009.
gnomAD v4.1: 244 of 1,613,672 alleles (0.015%); highest among the groups gnomAD compares: Non-Finnish European, 0.019%; no homozygotes.

Submissions (4):

CeGaT Center for Human Genetics Tuebingen
Classification: Likely benign. Last evaluated: 2025-03-01. Review status: criteria provided, single submitter. Criteria: CeGaT Center For Human Genetics Tuebingen Variant Classification Criteria Version 2. Collection method: clinical testing. Allele origin: germline. Affected: yes. Observed: 2 variant alleles.
Comment: RNF125: BS1

Fulgent Genetics
Classification: Uncertain significance for Tenorio syndrome. Last evaluated: 2018-10-31. Review status: criteria provided, single submitter. Criteria: ACMG Guidelines, 2015. Collection method: clinical testing. Allele origin: unknown.

Labcorp Genetics (formerly Invitae), Labcorp
Classification: Uncertain significance for Tenorio syndrome. Last evaluated: 2018-08-20. Review status: criteria provided, single submitter. Criteria: Invitae Variant Classification Sherloc (09022015). Collection method: clinical testing. Allele origin: germline.
Comment: This sequence change replaces proline with leucine at codon 31 of the RNF125 protein (p.Pro31Leu). The proline residue is highly conserved and there is a moderate physicochemical difference between proline and leucine. This variant is present in population databases (rs751589349, ExAC 0.003%). This variant has not been reported in the literature in individuals with RNF125-related disease. ClinVar contains an entry for this variant (Variation ID: 377122). Algorithms developed to predict the effect of missense changes on protein structure and function are either unavailable or do not agree on the potential impact of this missense change (SIFT: "Deleterious"; PolyPhen-2: "Benign"; Align-GVGD: "Class C0"). In summary, the available evidence is currently insufficient to determine the role of this variant in disease. Therefore, it has been classified as a Variant of Uncertain Significance.

Center for Pediatric Genomic Medicine, Children's Mercy Hospital and Clinics
Classification: Uncertain significance. Last evaluated: 2016-09-15. Review status: criteria provided, single submitter. Criteria: ACMG Guidelines, 2015. Collection method: clinical testing. Allele origin: germline.
ClinVar note: Converted during submission from Uncertain Significance to Uncertain significance.